The following is an entry in ClinVar:

NM_001378615.1(CC2D2A):c.1621C>A (p.Gln541Lys)

Genes: CC2D2A (coiled-coil and C2 domain containing 2A; plus strand), FBXL5 (F-box and leucine rich repeat protein 5; minus strand). Cytogenetic location: 4p15.32.
Variant type: single nucleotide variant.
Coding change: c.1621C>A on transcript NM_001378615.1 (MANE Select); coding-DNA position 1621, C replaced by A.
Protein change: p.Gln541Lys; replaces glutamine 541 with lysine.
Molecular consequence: missense variant.
Genome position (GRCh38, 1-based): chr4:15,536,933, C>A. VCF-style: chr4-15536933-C-A. GRCh37 (hg19) VCF-style: chr4-15538556-C-A.
Other names: c.1621C>A, p.Gln541Lys (NM_001080522.2); c.1474C>A, p.Gln492Lys (NM_001378617.1); short protein forms Q541K, Q492K.
Identifiers: ClinVar variation 963597 (VCV000963597.6), dbSNP rs1160716658, ClinGen allele CA356411186.
Genomic context (GRCh38, chr4:15,536,933, plus strand): 5'-TTACTTAATTTCCAGAAATAACCAAGGGACTACAAATTATTTTAAAGGGAAAAAGCTGAC[C>A]AGAAAGCAGATGAAGAAGCATATGAAGCAGAAATTCAAGCTGAAATAAGTGAACTGTTAG-3'
Protein context (NP_001365544.1, residues 531-551): KLVLRKEKAD[Gln541Lys]KADEEAYEAE

ClinVar aggregate classification (germline): Uncertain significance. Review status: criteria provided, multiple submitters, no conflicts (2 of 4 stars). 2 submissions from 2 submitters: Uncertain significance (2). Last evaluated 2024-08-28.

Conditions:
Meckel-Gruber syndrome. Also called: Dysencephalia splachnocystica; DYSENCEPHALIA SPLANCHNOCYSTICA; GRUBER SYNDROME. Identifiers: Orphanet 564, MedGen C0265215, MONDO:0018921.
Joubert syndrome. Also called: Familial aplasia of the vermis; JOUBERT-BOLTSHAUSER SYNDROME. Identifiers: Orphanet 475, MedGen C5979921, MONDO:0018772.

Allele frequency attached by ClinVar (database versions not stated): gnomAD exomes below 0.00001; TOPMed 0.00001.

Submissions (2):

Blueprint Genetics
Classification: Uncertain significance. Last evaluated: 2024-08-28. Review status: criteria provided, single submitter. Criteria: ACMG Guidelines, 2015. Collection method: clinical testing. Allele origin: germline.

Labcorp Genetics (formerly Invitae), Labcorp
Classification: Uncertain significance for Joubert syndrome; Meckel-Gruber syndrome. Last evaluated: 2021-12-10. Review status: criteria provided, single submitter. Criteria: Invitae Variant Classification Sherloc (09022015). Collection method: clinical testing. Allele origin: germline.
Comment: This sequence change replaces glutamine, which is neutral and polar, with lysine, which is basic and polar, at codon 541 of the CC2D2A protein (p.Gln541Lys). This variant is not present in population databases (gnomAD no frequency). This variant has not been reported in the literature in individuals affected with CC2D2A-related conditions. ClinVar contains an entry for this variant (Variation ID: 963597). Advanced modeling of protein sequence and biophysical properties (such as structural, functional, and spatial information, amino acid conservation, physicochemical variation, residue mobility, and thermodynamic stability) performed at Invitae indicates that this missense variant is not expected to disrupt CC2D2A protein function. In summary, the available evidence is currently insufficient to determine the role of this variant in disease. Therefore, it has been classified as a Variant of Uncertain Significance.